The following is an entry in ClinVar:

ClinVar aggregate classification (germline): Conflicting classifications of pathogenicity. Review status: criteria provided, conflicting classifications (1 of 4 stars). 5 submissions from 4 submitters: Uncertain significance (4); Likely benign (1). Last evaluated 2025-02-12.

Conditions:
Adams-Oliver syndrome 5 (AOS5). Identifiers: Orphanet 974, MedGen C4014970, MONDO:0014459, OMIM 616028.
Aortic valve disease 1 (AOVD1). Identifiers: MedGen C3887892, MONDO:0024523, OMIM 109730.
Familial thoracic aortic aneurysm and aortic dissection (TAAD). Also called: Thoracic aortic aneurysms and dissections. Identifiers: Orphanet 91387, MedGen C4707243, MONDO:0019625.

Allele frequency attached by ClinVar (database versions not stated): gnomAD exomes 0.00001; TOPMed 0.00004; gnomAD 0.00005 and 0.00006; 1000 Genomes Project 30x 0.00016; 1000 Genomes Project 0.00040.
gnomAD v4.1: 17 of 1,588,160 alleles (0.0011%); highest among the groups gnomAD compares: African/African-American, 0.0094%; no homozygotes.

Submissions (5):

Ambry Genetics
Classification: Uncertain significance for Familial thoracic aortic aneurysm and aortic dissection. Last evaluated: 2025-02-12. Review status: criteria provided, single submitter. Criteria: Ambry Variant Classification Scheme 2023. Collection method: clinical testing. Allele origin: germline.
Comment: The p.T1573M variant (also known as c.4718C>T), located in coding exon 26 of the NOTCH1 gene, results from a C to T substitution at nucleotide position 4718. The threonine at codon 1573 is replaced by methionine, an amino acid with similar properties. This variant has been reported in a hereditary thoracic aortic dissection cohort (Musfee FI et al. Mol Genet Genomic Med, 2020 Oct;8:e1406). This amino acid position is not well conserved in available vertebrate species. In addition, this alteration is predicted to be tolerated by in silico analysis. Based on the available evidence, the clinical significance of this variant remains unclear.

GeneDx
Classification: Uncertain significance. Last evaluated: 2024-06-17. Review status: criteria provided, single submitter. Criteria: GeneDx Variant Classification Process June 2021. Collection method: clinical testing. Allele origin: germline. Affected: yes.
Comment: Identified in at least one individual with a bicuspid aortic valve and heritable thoracic aortic disease (PMID: 32748548); In silico analysis indicates that this missense variant does not alter protein structure/function; This variant is associated with the following publications: (PMID: 32748548)

Labcorp Genetics (formerly Invitae), Labcorp
Classification: Likely benign for Adams-Oliver syndrome 5. Last evaluated: 2023-12-22. Review status: criteria provided, single submitter. Criteria: Invitae Variant Classification Sherloc (09022015). Collection method: clinical testing. Allele origin: germline.

Genome-Nilou Lab
Classification: Uncertain significance for Adams-Oliver syndrome 5. Last evaluated: 2022-03-15. Review status: criteria provided, single submitter. Criteria: ACMG Guidelines, 2015. Collection method: clinical testing. Allele origin: germline. Affected: no.

Genome-Nilou Lab
Classification: Uncertain significance for Aortic valve disease 1. Last evaluated: 2022-03-15. Review status: criteria provided, single submitter. Criteria: ACMG Guidelines, 2015. Collection method: clinical testing. Allele origin: germline. Affected: no.

Literature cited by the submitters: PubMed 32748548 (cited by Ambry Genetics).

NM_017617.5(NOTCH1):c.4718C>T (p.Thr1573Met)

Gene: NOTCH1 (notch receptor 1; minus strand). Cytogenetic location: 9q34.3.
Variant type: single nucleotide variant.
Coding change: c.4718C>T on transcript NM_017617.5 (MANE Select); coding-DNA position 4718, C replaced by T.
Protein change: p.Thr1573Met; replaces threonine 1573 with methionine.
Molecular consequence: missense variant.
Genome position (GRCh38, 1-based): chr9:136,504,973, G>A on the plus strand (C>T on the coding strand, the complement: NOTCH1 is on the minus strand). VCF-style: chr9-136504973-G-A. GRCh37 (hg19) VCF-style: chr9-139399425-G-A.
Other names: c.4718C>T, p.Thr1573Met (LRG_1122t1); short protein forms T1573M.
Identifiers: ClinVar variation 387717 (VCV000387717.16), dbSNP rs573864607, ClinGen allele CA16605473.
Genomic context (GRCh38, chr9:136,504,973, plus strand): 5'-AGGAAGTGGAAGGAGCTGTTGCGCAGCTGCTCCGGCGGCATCAGCACCACCACCACCAGC[G>A]TGCCGGCCGCCAGCCTCTCGGGTACATGCTCCGCACAGTCCAGCCCGTCCCACTCGCACT-3'
Protein context (NP_060087.3, residues 1563-1583): EHVPERLAAG[Thr1573Met]LVVVVLMPPE